The following is an entry in ClinVar:

ClinVar aggregate classification (germline): other (0 of 4 stars; one submission).

Conditions:
Familial colorectal cancer. Identifiers: MedGen CN280943, MONDO:0023113. Disease mechanism: loss of function.

Submission:

Systems Biology Platform Zhejiang California International NanoSystems Institute
Classification: other for Familial colorectal cancer. Review status: no assertion criteria provided. Collection method: not provided. Allele origin: unknown.
ClinVar note: Converted during submission from cancer to other.

NM_000038.6(APC):c.532-2420C>G

Gene: APC (APC regulator of WNT signaling pathway; plus strand). Cytogenetic location: 5q22.2.
Variant type: single nucleotide variant.
Coding change: c.532-2420C>G on transcript NM_000038.6 (MANE Select); 2420 bases into the intron before coding-DNA position 532, C replaced by G.
Molecular consequence: intron variant.
Genome position (GRCh38, 1-based): chr5:112,778,370, C>G. VCF-style: chr5-112778370-C-G. GRCh37 (hg19) VCF-style: chr5-112114067-C-G.
Other names: c.532-2420C>G (NM_001354895.2, NM_001127510.3, NM_001354896.2 and 2 more transcripts); c.562-2420C>G (NM_001354897.2, NM_001354902.2, NM_001127511.3); c.457-2420C>G (NM_001354898.2, NM_001354904.2); c.-504-2420C>G (NM_001354906.2); c.355-2420C>G (NM_001354900.2, NM_001354901.2, NM_001354905.2).
Identifiers: ClinVar variation 82928 (VCV000082928.2), dbSNP rs75246712, ClinGen allele CA010291.